The following is an entry in ClinVar:

NM_001277115.2(DNAH11):c.8911T>C (p.Phe2971Leu)

Gene: DNAH11 (dynein axonemal heavy chain 11; plus strand). Cytogenetic location: 7p15.3.
Variant type: single nucleotide variant.
Coding change: c.8911T>C on transcript NM_001277115.2 (MANE Select); coding-DNA position 8911, T replaced by C.
Protein change: p.Phe2971Leu; replaces phenylalanine 2971 with leucine.
Molecular consequence: missense variant.
Genome position (GRCh38, 1-based): chr7:21,750,335, T>C. VCF-style: chr7-21750335-T-C. GRCh37 (hg19) VCF-style: chr7-21789953-T-C.
Other names: c.8932T>C, p.Phe2978Leu (NM_003777.3); short protein forms F2971L, F2978L.
Identifiers: ClinVar variation 2629811 (VCV002629811.2), dbSNP rs2535137560, ClinGen allele CA366956428.

ClinVar aggregate classification (germline): Uncertain significance. Review status: criteria provided, multiple submitters, no conflicts (2 of 4 stars). 2 submissions from 2 submitters: Uncertain significance (2). Last evaluated 2022-12-13.

Conditions:
DNAH11-related disorder. Also called: DNAH11-related condition.

Submissions (2):

PreventionGenetics, part of Exact Sciences
Classification: Uncertain significance for DNAH11-related condition. Last evaluated: 2022-12-13. Review status: criteria provided, single submitter. Criteria: ACMG Guidelines, 2015. Collection method: clinical testing. Allele origin: germline.
Comment: The DNAH11 c.8911T>C variant is predicted to result in the amino acid substitution p.Phe2971Leu. To our knowledge, this variant has not been reported in the literature or in a large population database, indicating this variant is rare. At this time, the clinical significance of this variant is uncertain due to the absence of conclusive functional and genetic evidence.

Blueprint Genetics
Classification: Uncertain significance. Last evaluated: 2021-06-10. Review status: criteria provided, single submitter. Criteria: ACMG Guidelines, 2015. Collection method: clinical testing. Allele origin: germline.